The following is an entry in ClinVar:

ClinVar aggregate classification (germline): Uncertain significance. Review status: criteria provided, multiple submitters, no conflicts (2 of 4 stars). 5 submissions from 5 submitters: Uncertain significance (5). Last evaluated 2026-04-21.

Conditions:
Cardiovascular phenotype. Identifiers: MedGen CN230736.
Arrhythmogenic right ventricular dysplasia 9 (ARVD9). Also called: Arrhythmogenic Right Ventricular Dysplasia/Cardiomyopathy 9; ARRHYTHMOGENIC RIGHT VENTRICULAR DYSPLASIA, FAMILIAL, 9. Identifiers: MedGen C1836906, MONDO:0012180, OMIM 609040.
PKP2-related disorder. Also called: PKP2-related condition.
Arrhythmogenic right ventricular cardiomyopathy (ARVD). Also called: Arrhythmogenic cardiomyopathy; Arrhythmogenic Right Ventricular Cardiomyopathy (ARVC); Cardiomyopathy, ARVC; Arrhythmogenic right ventricular dysplasia. Identifiers: Orphanet 247, MedGen C0349788, MeSH D019571, MONDO:0016587. Disease mechanism: loss of function. Inheritance: Various modes of inheritance.
Cardiomyopathy (CMYO). Also called: Cardiomyopathies. Identifiers: Orphanet 167848, MedGen C0878544, MONDO:0004994, HP:0001638. Inheritance: Various modes of inheritance.

Allele frequency attached by ClinVar (database versions not stated): gnomAD exomes below 0.00001.
gnomAD v4.1: 3 of 1,614,088 alleles (0.00019%); highest among the groups gnomAD compares: Admixed American, 0.0017%; no homozygotes.

Submissions (5):

PreventionGenetics, part of Exact Sciences
Classification: Uncertain significance for PKP2-related condition. Last evaluated: 2026-04-21. Review status: criteria provided, single submitter. Criteria: ACMG Guidelines, 2015. Collection method: clinical testing. Allele origin: germline.
Comment: The PKP2 c.2138G>A variant is predicted to result in the amino acid substitution p.Ser713Asn. To our knowledge, this variant has not been reported in the literature or in a large population database (gnomAD), indicating this variant is rare. At this time, the clinical significance of this variant is uncertain due to the absence of conclusive functional and genetic evidence.

All of Us Research Program, National Institutes of Health
Classification: Uncertain significance for Arrhythmogenic right ventricular cardiomyopathy. Last evaluated: 2024-05-09. Review status: criteria provided, single submitter. Criteria: ACMG Guidelines, 2015. Collection method: clinical testing. Allele origin: germline. Inheritance: Autosomal dominant inheritance. Observed: 1 variant allele, 1 heterozygote.
Comment: This missense variant replaces serine with asparagine at codon 713 of the PKP2 protein. Computational prediction suggests that this variant may not impact protein structure and function (internally defined REVEL score threshold <= 0.5, PMID: 27666373). To our knowledge, functional studies have not been reported for this variant. This variant has not been reported in individuals affected with cardiovascular disorders in the literature. This variant has not been identified in the general population by the Genome Aggregation Database (gnomAD). The available evidence is insufficient to determine the role of this variant in disease conclusively. Therefore, this variant is classified as a Variant of Uncertain Significance.

This study involves interpretation of variants in research participants for the purpose of population health screening. Participant phenotype was not available at the time of variant classification. Additional details can be found in publication PMID: 35346344, PMCID: PMC8962531

Color Diagnostics, LLC DBA Color Health
Classification: Uncertain significance for Cardiomyopathy. Last evaluated: 2024-03-06. Review status: criteria provided, single submitter. Criteria: ACMG Guidelines, 2015. Collection method: clinical testing. Allele origin: germline.
Comment: This missense variant replaces serine with asparagine at codon 713 of the PKP2 protein. Computational prediction suggests that this variant may not impact protein structure and function (internally defined REVEL score threshold <= 0.5, PMID: 27666373). To our knowledge, functional studies have not been reported for this variant. This variant has not been reported in individuals affected with cardiovascular disorders in the literature. This variant has not been identified in the general population by the Genome Aggregation Database (gnomAD). The available evidence is insufficient to determine the role of this variant in disease conclusively. Therefore, this variant is classified as a Variant of Uncertain Significance.

Labcorp Genetics (formerly Invitae), Labcorp
Classification: Uncertain significance for Arrhythmogenic right ventricular dysplasia 9. Last evaluated: 2022-10-07. Review status: criteria provided, single submitter. Criteria: Invitae Variant Classification Sherloc (09022015). Collection method: clinical testing. Allele origin: germline.
Comment: In summary, the available evidence is currently insufficient to determine the role of this variant in disease. Therefore, it has been classified as a Variant of Uncertain Significance. This sequence change replaces serine, which is neutral and polar, with asparagine, which is neutral and polar, at codon 713 of the PKP2 protein (p.Ser713Asn). This variant is not present in population databases (gnomAD no frequency). This variant has not been reported in the literature in individuals affected with PKP2-related conditions. Algorithms developed to predict the effect of missense changes on protein structure and function (SIFT, PolyPhen-2, Align-GVGD) all suggest that this variant is likely to be tolerated.

Ambry Genetics
Classification: Uncertain significance for Cardiovascular phenotype. Last evaluated: 2021-06-23. Review status: criteria provided, single submitter. Criteria: Ambry Variant Classification Scheme 2023. Collection method: clinical testing. Allele origin: germline.
Comment: The p.S713N variant (also known as c.2138G>A), located in coding exon 10 of the PKP2 gene, results from a G to A substitution at nucleotide position 2138. The serine at codon 713 is replaced by asparagine, an amino acid with highly similar properties. This amino acid position is conserved. In addition, this alteration is predicted to be tolerated by in silico analysis. Since supporting evidence is limited at this time, the clinical significance of this alteration remains unclear.

NM_001005242.3(PKP2):c.2006G>A (p.Ser669Asn)

Gene: PKP2 (plakophilin 2; minus strand). Cytogenetic location: 12p11.21.
Variant type: single nucleotide variant.
Coding change: c.2006G>A on transcript NM_001005242.3 (MANE Select); coding-DNA position 2006, G replaced by A.
Protein change: p.Ser669Asn; replaces serine 669 with asparagine.
Molecular consequence: missense variant.
Genome position (GRCh38, 1-based): chr12:32,821,363, C>T on the plus strand (G>A on the coding strand, the complement: PKP2 is on the minus strand). VCF-style: chr12-32821363-C-T. GRCh37 (hg19) VCF-style: chr12-32974297-C-T.
Other names: c.2006G>A, p.Ser669Asn (NM_001407155.1, NM_001407161.1); c.1841G>A, p.Ser614Asn (NM_001407156.1); c.2138G>A, p.Ser713Asn (NM_001407157.1, NM_004572.4); c.1679G>A, p.Ser560Asn (NM_001407158.1, NM_001407159.1, NM_001407160.1 and 1 more transcripts); short protein forms S560N, S669N, S614N, S713N.
Identifiers: ClinVar variation 1786507 (VCV001786507.11), dbSNP rs1006357662, ClinGen allele CA235234967.
Genomic context (GRCh38, chr12:32,821,363, plus strand): 5'-TATGTCTACAATATCATTATTTTAAAAAGTAGGAAATCAGGCCCAATACTCACTGGTCCA[C>T]TTCCGGCCGTGAGGTTCTGCAGAGCTCCTAAGGATGCTTCTTGTGTGTAGTTGCGGACAC-3'
Protein context (NP_001005242.2, residues 659-679): LGALQNLTAG[Ser669Asn]GPMPTSVAQT